The following is an entry in ClinVar:

NM_199420.4(POLQ):c.1256G>A (p.Gly419Asp)

Gene: POLQ (DNA polymerase theta; minus strand). Cytogenetic location: 3q13.33.
Variant type: single nucleotide variant.
Coding change: c.1256G>A on transcript NM_199420.4 (MANE Select); coding-DNA position 1256, G replaced by A.
Protein change: p.Gly419Asp; replaces glycine 419 with aspartic acid.
Molecular consequence: missense variant.
Genome position (GRCh38, 1-based): chr3:121,520,083, C>T on the plus strand (G>A on the coding strand, the complement: POLQ is on the minus strand). VCF-style: chr3-121520083-C-T. GRCh37 (hg19) VCF-style: chr3-121238930-C-T.
Other names: short protein forms G419D.
Identifiers: ClinVar variation 1761931 (VCV001761931.3), dbSNP rs1174817236, ClinGen allele CA354120155.
Genomic context (GRCh38, chr3:121,520,083, plus strand): 5'-ACCCGAATGAGACCTTGACGAAAGGCTCCTTCAATGATATCCCTCTCCTCAAAAGTAAGA[C>T]CTAAAAAAAGGAGGTTTTTATATATTTATTGATATATAACGAAAATATTATACGTGTTCA-3'
Protein context (NP_955452.3, residues 409-429): VPWGVAFHHA[Gly419Asp]LTFEERDIIE

ClinVar aggregate classification (germline): Uncertain significance (1 of 4 stars; one submission).

Allele frequency attached by ClinVar (database versions not stated): TOPMed below 0.00001; gnomAD exomes 0.00001.
gnomAD v4.1: 7 of 1,592,978 alleles (0.00044%); highest among the groups gnomAD compares: Non-Finnish European, 0.0006%; no homozygotes.

Submission:

Ambry Genetics
Classification: Uncertain significance. Last evaluated: 2024-09-20. Review status: criteria provided, single submitter. Criteria: Ambry Variant Classification Scheme 2023. Collection method: clinical testing. Allele origin: germline.
Comment: The p.G419D variant (also known as c.1256G>A) is located in coding exon 9 of the POLQ gene. The glycine at codon 419 is replaced by aspartic acid, an amino acid with similar properties. This change occurs in the first base pair of coding exon 9. This amino acid position is conserved. In addition, the in silico prediction for this alteration is inconclusive. Since supporting evidence is limited at this time, the clinical significance of this alteration remains unclear.